The following is an entry in ClinVar:

NM_025179.4(PLXNA2):c.103A>C (p.Met35Leu)

Gene: PLXNA2 (plexin A2; minus strand). Cytogenetic location: 1q32.2.
Variant type: single nucleotide variant.
Coding change: c.103A>C on transcript NM_025179.4 (MANE Select); coding-DNA position 103, A replaced by C.
Protein change: p.Met35Leu; replaces methionine 35 with leucine.
Molecular consequence: missense variant.
Genome position (GRCh38, 1-based): chr1:208,217,820, T>G on the plus strand (A>C on the coding strand, the complement: PLXNA2 is on the minus strand). VCF-style: chr1-208217820-T-G. GRCh37 (hg19) VCF-style: chr1-208391165-T-G.
Other names: short protein forms M35L.
Identifiers: ClinVar variation 3619887 (VCV003619887.2).

ClinVar aggregate classification (germline): Uncertain significance (1 of 4 stars; one submission).

gnomAD v4.1: 2 of 1,614,132 alleles (0.00012%); highest among the groups gnomAD compares: Non-Finnish European, 0.00017%; no homozygotes.

Submission:

Labcorp Genetics (formerly Invitae), Labcorp
Classification: Uncertain significance. Last evaluated: 2024-01-29. Review status: criteria provided, single submitter. Criteria: Invitae Variant Classification Sherloc (09022015). Collection method: clinical testing. Allele origin: germline.
Comment: This sequence change replaces methionine, which is neutral and non-polar, with leucine, which is neutral and non-polar, at codon 35 of the PLXNA2 protein (p.Met35Leu). This variant is not present in population databases (gnomAD no frequency). This variant has not been reported in the literature in individuals affected with PLXNA2-related conditions. An algorithm developed to predict the effect of missense changes on protein structure and function (PolyPhen-2) suggests that this variant is likely to be tolerated. In summary, the available evidence is currently insufficient to determine the role of this variant in disease. Therefore, it has been classified as a Variant of Uncertain Significance.